The following is an entry in ClinVar:

ClinVar aggregate classification (germline): Likely pathogenic (1 of 4 stars; one submission).

Submission:

GeneDx
Classification: Likely pathogenic. Last evaluated: 2025-04-03. Review status: criteria provided, single submitter. Criteria: GeneDx Variant Classification Process June 2021. Collection method: clinical testing. Allele origin: germline. Affected: yes.
Comment: Not observed at significant frequency in large population cohorts (gnomAD); Frameshift variant predicted to result in abnormal protein length as the last 65 amino acid(s) are replaced with 89 different amino acid(s); Has not been previously published as pathogenic or benign to our knowledge

NM_001379659.1(ZNF142):c.5467del (p.Cys1823fs)

Gene: ZNF142 (zinc finger protein 142; minus strand). Cytogenetic location: 2q35.
Variant type: Deletion.
Coding change: c.5467del on transcript NM_001379659.1 (MANE Select); coding-DNA position 5467, one base deleted (T; older notation c.5467delT).
Protein change: p.Cys1823fs; shifts the reading frame from cysteine 1823.
Molecular consequence: frameshift variant.
Genome position (GRCh38, 1-based): chr2:218,638,536, A deleted on the plus strand (T on the coding strand, the reverse complement: ZNF142 is on the minus strand); the first of 4 consecutive A bases (chr2:218,638,536-218,638,539); deleting any one gives the same sequence. VCF-style (leftmost placement, unchanged base first): chr2-218638535-CA-C. GRCh37 (hg19) VCF-style: chr2-219503258-CA-C.
Other names: c.4864delT, p.Cys1623Alafs (NM_001105537.5, NM_001366291.3); c.4375delT, p.Cys1460Alafs (NM_001366287.3, NM_001366288.3, NM_001366289.3); c.5467del, p.Cys1823fs (NM_001366290.3, NM_001379660.1, NM_001379661.1); c.4867del, p.Cys1623fs (NM_001379662.1); short protein forms C1460fs, C1623fs, C1823fs.
Identifiers: ClinVar variation 2442744 (VCV002442744.2), dbSNP rs758344926, ClinGen allele CA2108507.